The following is an entry in ClinVar:

ClinVar aggregate classification (germline): Uncertain significance (1 of 4 stars; one submission).

Submission:

Labcorp Genetics (formerly Invitae), Labcorp
Classification: Uncertain significance. Last evaluated: 2021-03-02. Review status: criteria provided, single submitter. Criteria: Invitae Variant Classification Sherloc (09022015). Collection method: clinical testing. Allele origin: germline.
Comment: This variant has not been reported in the literature in individuals with POLE-related conditions. The frequency data for this variant in the population databases is considered unreliable, as metrics indicate poor data quality at this position in the ExAC database. This sequence change affects codon 20 of the POLE mRNA. It is a 'silent' change, meaning that it does not change the encoded amino acid sequence of the POLE protein. In summary, the available evidence is currently insufficient to determine the role of this variant in disease. Therefore, it has been classified as a Variant of Uncertain Significance. Algorithms developed to predict the effect of sequence changes on RNA splicing suggest that this variant may create or strengthen a splice site, but this prediction has not been confirmed by published transcriptional studies.

NM_006231.4(POLE):c.60C>T (p.Ser20=)

Genes: POLE (DNA polymerase epsilon, catalytic subunit; minus strand), LOC130009266 (ATAC-STARR-seq lymphoblastoid silent region 5123; plus strand). Cytogenetic location: 12q24.33.
Variant type: single nucleotide variant.
Coding change: c.60C>T on transcript NM_006231.4 (MANE Select); coding-DNA position 60, C replaced by T.
Protein change: p.Ser20=; no amino-acid change (serine 20 retained).
Molecular consequence: synonymous variant.
Genome position (GRCh38, 1-based): chr12:132,687,256, G>A on the plus strand (C>T on the coding strand, the complement: POLE is on the minus strand). VCF-style: chr12-132687256-G-A. GRCh37 (hg19) VCF-style: chr12-133263842-G-A.
Identifiers: ClinVar variation 1514158 (VCV001514158.8), dbSNP rs770124075, ClinGen allele CA6894468.
Genomic context (GRCh38, chr12:132,687,256, plus strand): 5'-CGGCCCCATGGCACCCTCCGGAGGGCCGGCCCGAGAGCCTCAGGAGGGCGCCCCTCACCT[G>A]CTGGCCTCGCCATCCGCGCCTGGGTCCGCGCGCCGCCGCCCGCCGCTCCTCAGAGACATG-3'
Protein context (NP_006222.2, residues 10-30): RADPGADGEA[Ser20=]RDDGATSSVS